The following is an entry in ClinVar:

ClinVar aggregate classification (germline): Uncertain significance (1 of 4 stars; one submission).

Conditions:
Inborn genetic diseases. Identifiers: MedGen C0950123, MeSH D030342.

gnomAD v4.1: 3 of 1,613,946 alleles (0.00019%); highest among the groups gnomAD compares: Admixed American, 0.005%; no homozygotes.

Submission:

Ambry Genetics
Classification: Uncertain significance for Inborn genetic diseases. Last evaluated: 2026-07-08. Review status: criteria provided, single submitter. Criteria: Ambry Variant Classification Scheme 2023. Collection method: clinical testing. Allele origin: germline.
Comment: The c.992C>G (p.P331R) alteration is located in exon 7 (coding exon 7) of the PAX3 gene. This alteration results from a C to G substitution at nucleotide position 992, causing the proline (P) at amino acid position 331 to be replaced by an arginine (R). Based on data from gnomAD, the G allele has an overall frequency of <0.001% (1/251364) total alleles studied. The highest observed frequency was 0.003% (1/34592) of Latino alleles. Based on insufficient or conflicting evidence, the clinical significance of this alteration remains unclear.

NM_181458.4(PAX3):c.992C>G (p.Pro331Arg)

Genes: PAX3 (paired box 3; minus strand), LOC126806529 (CDK7 strongly-dependent group 2 enhancer GRCh37_chr2:223084735-223085934; plus strand). Cytogenetic location: 2q36.1.
Variant type: single nucleotide variant.
Coding change: c.992C>G on transcript NM_181458.4 (MANE Select); coding-DNA position 992, C replaced by G.
Protein change: p.Pro331Arg; replaces proline 331 with arginine.
Molecular consequence: missense variant.
Genome position (GRCh38, 1-based): chr2:222,220,321, G>C on the plus strand (C>G on the coding strand, the complement: PAX3 is on the minus strand). VCF-style: chr2-222220321-G-C. GRCh37 (hg19) VCF-style: chr2-223085040-G-C.
Other names: c.989C>G, p.Pro330Arg (NM_001127366.3); c.992C>G, p.Pro331Arg (NM_181457.4, NM_181459.4, NM_181460.4 and 1 more transcripts); short protein forms P331R, P330R.
Identifiers: ClinVar variation 5026283 (VCV005026283.1).